The following is an entry in ClinVar:

NM_001352514.2(HLCS):c.1270C>T (p.Gln424Ter)

Gene: HLCS (holocarboxylase synthetase; minus strand). Cytogenetic location: 21q22.13.
Variant type: single nucleotide variant.
Coding change: c.1270C>T on transcript NM_001352514.2 (MANE Select); coding-DNA position 1270, C replaced by T.
Protein change: p.Gln424Ter; replaces glutamine 424 with a stop codon.
Molecular consequence: nonsense. On other transcripts: non-coding transcript variant (2).
Genome position (GRCh38, 1-based): chr21:36,936,616, G>A on the plus strand (C>T on the coding strand, the complement: HLCS is on the minus strand). VCF-style: chr21-36936616-G-A. GRCh37 (hg19) VCF-style: chr21-38308916-G-A.
Other names: c.829C>T, p.Gln277Ter (NM_000411.8, NM_001242784.3, NM_001242785.2 and 4 more transcripts); short protein forms Q277*, Q424*.
Identifiers: ClinVar variation 4818333 (VCV004818333.2).

ClinVar aggregate classification (germline): Pathogenic/Likely pathogenic. Review status: criteria provided, multiple submitters, no conflicts (2 of 4 stars). 2 submissions from 2 submitters: Pathogenic (1); Likely pathogenic (1). Last evaluated 2024-06-23.

Conditions:
Holocarboxylase synthetase deficiency. Also called: MULTIPLE CARBOXYLASE DEFICIENCY, EARLY ONSET. Identifiers: Orphanet 79242, MedGen C0268581, MONDO:0009666, OMIM 253270.

gnomAD v4.1: 2 of 1,614,204 alleles (0.00012%); highest among the groups gnomAD compares: South Asian, 0.0022%; no homozygotes.

Submissions (2):

Myriad Genetics, Inc.
Classification: Pathogenic for Holocarboxylase synthetase deficiency. Last evaluated: 2024-06-23. Review status: criteria provided, single submitter. Criteria: Myriad Autosomal Dominant, Autosomal Recessive and X-Linked Classification Criteria (2023). Collection method: clinical testing. Allele origin: unknown.
Comment: NM_000411.6(HLCS):c.829C>T(Q277*) is expected to be pathogenic in the context of holocarboxylase synthetase deficiency. This variant is predicted to lead to an abnormal or absent protein product due to the creation of a premature termination codon in HLCS, a gene where loss-of-function variants are known to be pathogenic. Please note: this variant was assessed in the context of healthy population screening.

Natera, Inc.
Classification: Likely pathogenic for Holocarboxylase synthetase deficiency. Last evaluated: 2024-04-18. Review status: criteria provided, single submitter. Criteria: Natera Variant Classification Schema (03/2026). Collection method: clinical testing. Allele origin: germline.
Comment: The c.829C>T variant in HLCS is a nonsense variant predicted to introduce a stop codon at amino acid 277. This variant is expected to result in nonsense mediated decay, truncation, or a dysfunctional protein product. This variant is rare in the general population with a frequency below the threshold expected for the associated phenotype(s). Given the available evidence, this variant is classified as Likely Pathogenic.